The following is an entry in ClinVar:

NM_025193.4(HSD3B7):c.694+2del

Gene: HSD3B7 (hydroxy-delta-5-steroid dehydrogenase, 3 beta- and steroid delta-isomerase 7; plus strand). Cytogenetic location: 16p11.2.
Variant type: Deletion.
Coding change: c.694+2del on transcript NM_025193.4 (MANE Select); the canonical splice donor site of the intron after coding-DNA position 694, one base deleted (T; older notation c.694+2delT).
Molecular consequence: splice donor variant. On other transcripts: intron variant (2).
Genome position (GRCh38, 1-based): chr16:30,987,004, T deleted. VCF-style (leftmost placement, unchanged base first): chr16-30987003-GT-G. GRCh37 (hg19) VCF-style: chr16-30998324-GT-G.
Other names: c.531+300del (NM_001142777.2, NM_001142778.2).
Identifiers: ClinVar variation 191290 (VCV000191290.2), dbSNP rs786205627, ClinGen allele CA236403.

ClinVar aggregate classification (germline): Pathogenic. Review status: criteria provided, single submitter (1 of 4 stars). 2 submissions from 1 submitter: Pathogenic (1). 1 of the submissions does not count toward it. Last evaluated 2024-03-25.

Conditions:
Congenital bile acid synthesis defect 1 (CBAS1). Also called: 3-BETA-HYDROXY-DELTA-5-C27-STEROID OXIDOREDUCTASE DEFICIENCY. Identifiers: Orphanet 79301, MedGen C1843116, MONDO:0011906, OMIM 607765.

Submissions (2):

Genomic Medicine Center of Excellence, King Faisal Specialist Hospital and Research Centre
Classification: Pathogenic for Congenital bile acid synthesis defect 1. Last evaluated: 2024-03-25. Review status: criteria provided, single submitter. Criteria: ACMG Guidelines, 2015. Collection method: clinical testing. Allele origin: germline.

Genomic Medicine Center of Excellence, King Faisal Specialist Hospital and Research Centre
Classification: Likely pathogenic. Review status: flagged submission. Criteria: ACMG Guidelines, 2015. Collection method: research. Allele origin: germline. Affected: yes. Not counted in ClinVar's aggregate classification.
ClinVar note: Reason: This record appears to be redundant with a more recent record from the same submitter.
ClinVar note: Notes: SCV000221680 appears to be redundant with SCV004806357.